The following is an entry in ClinVar:

NM_000795.4(DRD2):c.957C>T (p.Pro319=)

Gene: DRD2 (dopamine receptor D2; minus strand). Cytogenetic location: 11q23.2.
Variant type: single nucleotide variant.
Coding change: c.957C>T on transcript NM_000795.4 (MANE Select); coding-DNA position 957, C replaced by T.
Protein change: p.Pro319=; no amino-acid change (proline 319 retained).
Molecular consequence: synonymous variant.
Genome position (GRCh38, 1-based): chr11:113,412,737, G>A on the plus strand (C>T on the coding strand, the complement: DRD2 is on the minus strand). VCF-style: chr11-113412737-G-A. GRCh37 (hg19) VCF-style: chr11-113283459-G-A.
Other names: c.870C>T, p.Pro290= (NM_016574.4).
Identifiers: ClinVar variation 198436 (VCV000198436.15), dbSNP rs6277, ClinGen allele CA203433.

ClinVar aggregate classification (germline): Benign/Likely benign. Review status: criteria provided, multiple submitters, no conflicts (2 of 4 stars). 5 submissions from 5 submitters: Benign (3); Likely benign (2). Last evaluated 2026-02-03.

Conditions:
Dystonic disorder. Also called: Dystonia. Identifiers: MedGen C0013421, MONDO:0003441, HP:0001332.

Allele frequency attached by ClinVar (database versions not stated): 1000 Genomes Project 0.24401; 1000 Genomes Project 30x 0.24547; TOPMed 0.35824; gnomAD 0.37352 and 0.37659; ESP Exome Variant Server 0.40888; gnomAD exomes 0.41111 and 0.50060; ExAC 0.41577.
gnomAD v4.1: 787,261 of 1,613,936 alleles (49%); highest among the groups gnomAD compares: Non-Finnish European, 55%; 206,505 homozygotes.

Submissions (5):

Labcorp Genetics (formerly Invitae), Labcorp
Classification: Benign for Dystonic disorder. Last evaluated: 2026-02-03. Review status: criteria provided, single submitter. Criteria: Invitae Variant Classification Sherloc (09022015). Collection method: clinical testing. Allele origin: germline.

GeneDx
Classification: Likely benign. Last evaluated: 2018-03-09. Review status: criteria provided, single submitter. Criteria: GeneDx Variant Classification (06012015). Collection method: clinical testing. Allele origin: germline. Affected: yes.
Comment: This variant is considered likely benign or benign based on one or more of the following criteria: it is a conservative change, it occurs at a poorly conserved position in the protein, it is predicted to be benign by multiple in silico algorithms, and/or has population frequency not consistent with disease.

Eurofins Ntd Llc (ga)
Classification: Benign. Last evaluated: 2015-05-21. Review status: criteria provided, single submitter. Criteria: EGL Classification Definitions 2015. Collection method: clinical testing. Allele origin: germline. Observed: 2 variant alleles, 2 homozygotes.

Breakthrough Genomics
Classification: Likely benign. Review status: criteria provided, single submitter. Criteria: ACMG Guidelines, 2015. Collection method: not provided. Allele origin: germline. Inheritance: Unknown mechanism. Affected: yes.

PreventionGenetics, part of Exact Sciences
Classification: Benign. Review status: criteria provided, single submitter. Criteria: ACMG Guidelines, 2015. Collection method: clinical testing. Allele origin: germline.